The following is an entry in ClinVar:

NM_000481.4(AMT):c.793C>T (p.Arg265Cys)

Gene: AMT (aminomethyltransferase; minus strand). Cytogenetic location: 3p21.31.
Variant type: single nucleotide variant.
Coding change: c.793C>T on transcript NM_000481.4 (MANE Select); coding-DNA position 793, C replaced by T.
Protein change: p.Arg265Cys; replaces arginine 265 with cysteine.
Molecular consequence: missense variant. On other transcripts: non-coding transcript variant (1).
Genome position (GRCh38, 1-based): chr3:49,419,055, G>A on the plus strand (C>T on the coding strand, the complement: AMT is on the minus strand). VCF-style: chr3-49419055-G-A. GRCh37 (hg19) VCF-style: chr3-49456488-G-A.
Other names: c.661C>T, p.Arg221Cys (NM_001164710.2); c.625C>T, p.Arg209Cys (NM_001164711.2); c.793C>T, p.Arg265Cys (NM_001164712.2); short protein forms R265C, R209C, R221C.
Identifiers: ClinVar variation 556661 (VCV000556661.15), dbSNP rs779483959, ClinGen allele CA2398237.

ClinVar aggregate classification (germline): Pathogenic/Likely pathogenic. Review status: criteria provided, multiple submitters, no conflicts (2 of 4 stars). 6 submissions from 6 submitters: Pathogenic (2); Likely pathogenic (3). 1 of the submissions does not count toward it. Last evaluated 2025-11-19.

Conditions:
Glycine encephalopathy 1 (GCE1). Identifiers: MedGen CN376801, MONDO:0958179, OMIM 605899.
Glycine encephalopathy. Also called: Nonketotic hyperglycinemia; Non-ketotic hyperglycinemia. Identifiers: Orphanet 407, MedGen C0751748, MONDO:0011612, HP:0008288.
Glycine encephalopathy 2 (GCE2). Identifiers: MedGen C5830559, MONDO:0958192, OMIM 620398.

Allele frequency attached by ClinVar (database versions not stated): gnomAD exomes below 0.00001; ExAC 0.00001; gnomAD 0.00001; TOPMed 0.00001.
gnomAD v4.1: 4 of 1,613,726 alleles (0.00025%); highest among the groups gnomAD compares: African/African-American, 0.0013%; no homozygotes.

Submissions (6):

Natera, Inc.
Classification: Likely pathogenic for Non-ketotic hyperglycinemia. Last evaluated: 2025-11-19. Review status: criteria provided, single submitter. Criteria: Natera Variant Classification Schema (03/2026). Collection method: clinical testing. Allele origin: germline.
Comment: The c.793C>T variant in AMT is a missense variant predicted to cause substitution of arginine to cysteine at amino acid 265. This variant is rare in the general population with a frequency below the threshold expected for the associated phenotype(s). This variant has been observed in one or more individuals affected with the associated recessive disease, as either homozygous or compound heterozygous with a second variant (PMID: 27362913, 26371980). A different variant at the same position has been determined to be Pathogenic or Likely Pathogenic. Computational prediction algorithms indicate this variant is likely to affect gene or protein function. Given the available evidence, this variant is classified as Likely Pathogenic.

Labcorp Genetics (formerly Invitae), Labcorp
Classification: Pathogenic for Glycine encephalopathy. Last evaluated: 2025-06-19. Review status: criteria provided, single submitter. Criteria: Invitae Variant Classification Sherloc (09022015). Collection method: clinical testing. Allele origin: germline.
Comment: This sequence change replaces arginine, which is basic and polar, with cysteine, which is neutral and slightly polar, at codon 265 of the AMT protein (p.Arg265Cys). This variant is present in population databases (rs779483959, gnomAD 0.0009%). This missense change has been observed in individual(s) with non-ketotic hyperglycinemia (PMID: 26371980, 27362913). In at least one individual the data is consistent with being in trans (on the opposite chromosome) from a pathogenic variant. ClinVar contains an entry for this variant (Variation ID: 556661). Invitae Evidence Modeling of protein sequence and biophysical properties (such as structural, functional, and spatial information, amino acid conservation, physicochemical variation, residue mobility, and thermodynamic stability) indicates that this missense variant is expected to disrupt AMT protein function with a positive predictive value of 95%. This variant disrupts the p.Arg265 amino acid residue in AMT. Other variant(s) that disrupt this residue have been determined to be pathogenic (PMID: 27362913). This suggests that this residue is clinically significant, and that variants that disrupt this residue are likely to be disease-causing. For these reasons, this variant has been classified as Pathogenic.

3billion
Classification: Pathogenic for Glycine encephalopathy 2. Last evaluated: 2025-06-16. Review status: criteria provided, single submitter. Criteria: ACMG Guidelines, 2015. Collection method: clinical testing. Allele origin: germline. Affected: yes.
Comment: The variant is observed at an extremely low frequency in the gnomAD v4.1.0 dataset (total allele frequency: <0.001%). Predicted Consequence/Location: Missense variant In silico tool predictions suggest damaging effect of the variant on gene or gene product [REVEL: 0.90 (>=0.6, sensitivity 0.68 and specificity 0.92); 3Cnet: 0.99 (> 0.75, sensitivity 0.96 and precision 0.92)]. The same nucleotide change resulting in the same amino acid change has been previously reported as pathogenic/likely pathogenic with strong evidence (ClinVar ID: VCV000556661 /PMID: 26371980). The variant is in trans with the other variant. A different missense change at the same codon (p.Arg265His) has been reported as pathogenic/likely pathogenic with strong evidence (ClinVar ID: VCV000550886 /PMID: 25231368 /3billion dataset). Therefore, this variant is classified as Pathogenic according to the recommendation of ACMG/AMP guideline.

Fulgent Genetics
Classification: Likely pathogenic for Glycine encephalopathy 2. Last evaluated: 2024-03-26. Review status: criteria provided, single submitter. Criteria: ACMG Guidelines, 2015. Collection method: clinical testing. Allele origin: germline.

Department of Human Genetics, Hannover Medical School
Classification: Likely pathogenic for Glycine encephalopathy 2. Last evaluated: 2023-07-26. Review status: criteria provided, single submitter. Criteria: ACMG Guidelines, 2015. Collection method: clinical testing. Allele origin: germline. Inheritance: Autosomal recessive inheritance. Affected: yes.

Counsyl
Classification: Uncertain significance for Glycine encephalopathy 1. Last evaluated: 2018-02-13. Review status: no assertion criteria provided. Collection method: clinical testing. Allele origin: unknown. Not counted in ClinVar's aggregate classification.

Literature cited by the submitters: PubMed 27362913 (cited by Natera, Inc. and Labcorp Genetics (formerly Invitae), Labcorp); PubMed 26371980 (cited by 4 submitters); PubMed 25231368 (cited by 3billion).